The following is an entry in ClinVar:

NM_006231.4(POLE):c.2026+14G>T

Gene: POLE (DNA polymerase epsilon, catalytic subunit; minus strand). Cytogenetic location: 12q24.33.
Variant type: single nucleotide variant.
Coding change: c.2026+14G>T on transcript NM_006231.4 (MANE Select); 14 bases into the intron after coding-DNA position 2026, G replaced by T.
Molecular consequence: intron variant.
Genome position (GRCh38, 1-based): chr12:132,668,621, C>A on the plus strand (G>T on the coding strand, the complement: POLE is on the minus strand). VCF-style: chr12-132668621-C-A. GRCh37 (hg19) VCF-style: chr12-133245207-C-A.
Identifiers: ClinVar variation 371893 (VCV000371893.10), dbSNP rs751509566, ClinGen allele CA6893729.

ClinVar aggregate classification (germline): Likely benign. Review status: criteria provided, multiple submitters, no conflicts (2 of 4 stars). 3 submissions from 3 submitters: Likely benign (2). 1 of the submissions does not count toward it. Last evaluated 2022-09-26.

Conditions:
Colorectal cancer, susceptibility to, 12 (CRCS12). Also called: COLORECTAL CANCER, SUSCEPTIBILITY TO, ON CHROMOSOME 12q24. Identifiers: Orphanet 220460, MedGen C3554460, MONDO:0014038, OMIM 615083.

gnomAD v4.1: 1 of 1,604,638 alleles (0.000062%); highest among the groups gnomAD compares: Admixed American, 0.0017%; no homozygotes.

Submissions (3):

Labcorp Genetics (formerly Invitae), Labcorp
Classification: Likely benign. Last evaluated: 2022-09-26. Review status: criteria provided, single submitter. Criteria: Invitae Variant Classification Sherloc (09022015). Collection method: clinical testing. Allele origin: germline.

GeneDx
Classification: Likely benign. Last evaluated: 2017-11-22. Review status: criteria provided, single submitter. Criteria: GeneDx Variant Classification (06012015). Collection method: clinical testing. Allele origin: germline. Affected: yes.
Comment: This variant is considered likely benign or benign based on one or more of the following criteria: it is a conservative change, it occurs at a poorly conserved position in the protein, it is predicted to be benign by multiple in silico algorithms, and/or has population frequency not consistent with disease.

Counsyl
Classification: Likely benign for Colorectal cancer, susceptibility to, 12. Last evaluated: 2016-07-25. Review status: no assertion criteria provided. Collection method: clinical testing. Allele origin: unknown. Not counted in ClinVar's aggregate classification.